The following is an entry in ClinVar:

NM_152743.4(BRAT1):c.2331G>C (p.Arg777Ser)

Gene: BRAT1 (BRCA1 associated ATM activator 1; minus strand). Cytogenetic location: 7p22.3.
Variant type: single nucleotide variant.
Coding change: c.2331G>C on transcript NM_152743.4 (MANE Select); coding-DNA position 2331, G replaced by C.
Protein change: p.Arg777Ser; replaces arginine 777 with serine.
Molecular consequence: missense variant. On other transcripts: non-coding transcript variant (1).
Genome position (GRCh38, 1-based): chr7:2,538,204, C>G on the plus strand (G>C on the coding strand, the complement: BRAT1 is on the minus strand). VCF-style: chr7-2538204-C-G. GRCh37 (hg19) VCF-style: chr7-2577838-C-G.
Other names: c.2511G>C, p.Arg837Ser (NM_001350626.2); c.1806G>C, p.Arg602Ser (NM_001350627.2); short protein forms R602S, R777S, R837S.
Identifiers: ClinVar variation 1020109 (VCV001020109.9), dbSNP rs369607597, ClinGen allele CA4127387.
Genomic context (GRCh38, chr7:2,538,204, plus strand): 5'-CTTTTCCACGTGGTCGCTGCTCTCGGCCAGCGTGCTCCGCAGGCCCTCCAGGTCTAGGGA[C>G]CTGAGCATGGCCAGCACAGCCTCAGGCTCCTGGTCCCCTGGGGGCTGGGCCTGCTCACCC-3'
Protein context (NP_689956.2, residues 767-787): QEPEAVLAML[Arg777Ser]SLDLEGLRST

ClinVar aggregate classification (germline): Uncertain significance (1 of 4 stars; one submission).

Conditions:
Neonatal-onset encephalopathy with rigidity and seizures. Also called: Lethal neonatal spasticity-epileptic encephalopathy syndrome. Identifiers: Orphanet 435845, MedGen C3281029, MONDO:0013784, OMIM 614498.

Allele frequency attached by ClinVar (database versions not stated): gnomAD exomes below 0.00001; ExAC 0.00002; gnomAD 0.00003; TOPMed 0.00003; ESP Exome Variant Server 0.00008.

Submission:

Labcorp Genetics (formerly Invitae), Labcorp
Classification: Uncertain significance for Neonatal-onset encephalopathy with rigidity and seizures. Last evaluated: 2023-08-04. Review status: criteria provided, single submitter. Criteria: Invitae Variant Classification Sherloc (09022015). Collection method: clinical testing. Allele origin: germline.
Comment: This variant is present in population databases (rs369607597, gnomAD 0.01%). In summary, the available evidence is currently insufficient to determine the role of this variant in disease. Therefore, it has been classified as a Variant of Uncertain Significance. Advanced modeling of protein sequence and biophysical properties (such as structural, functional, and spatial information, amino acid conservation, physicochemical variation, residue mobility, and thermodynamic stability) performed at Invitae indicates that this missense variant is not expected to disrupt BRAT1 protein function. ClinVar contains an entry for this variant (Variation ID: 1020109). This variant has not been reported in the literature in individuals affected with BRAT1-related conditions. This sequence change replaces arginine, which is basic and polar, with serine, which is neutral and polar, at codon 777 of the BRAT1 protein (p.Arg777Ser).